The following is an entry in ClinVar:

NM_017780.4(CHD7):c.6914T>A (p.Phe2305Tyr)

Gene: CHD7 (chromodomain helicase DNA binding protein 7; plus strand). Cytogenetic location: 8q12.2.
Variant type: single nucleotide variant.
Coding change: c.6914T>A on transcript NM_017780.4 (MANE Select); coding-DNA position 6914, T replaced by A.
Protein change: p.Phe2305Tyr; replaces phenylalanine 2305 with tyrosine.
Molecular consequence: missense variant. On other transcripts: intron variant (1).
Genome position (GRCh38, 1-based): chr8:60,854,501, T>A. VCF-style: chr8-60854501-T-A. GRCh37 (hg19) VCF-style: chr8-61767060-T-A.
Other names: c.1717-7728T>A (NM_001316690.1); short protein forms F2305Y.
Identifiers: ClinVar variation 1302157 (VCV001302157.5), dbSNP rs750003961, ClinGen allele CA4760688.
Genomic context (GRCh38, chr8:60,854,501, plus strand): 5'-ATGGATTCTACATGGAGGACGGAGATCCTTCAGTAGCTCAGCTCCTTCATGAAAGAACAT[T>A]TGCCTTCTCGTTTTGGCCTAAGGTTGGCAGGTTTTTGTTGCTGTTGTTTTGCTGACCAAA-3'
Protein context (NP_060250.2, residues 2295-2315): SVAQLLHERT[Phe2305Tyr]AFSFWPKDRV

ClinVar aggregate classification (germline): Uncertain significance. Review status: criteria provided, multiple submitters, no conflicts (2 of 4 stars). 3 submissions from 3 submitters: Uncertain significance (3). Last evaluated 2024-06-12.

Conditions:
Hypogonadotropic hypogonadism 5 with or without anosmia (KAL5). Also called: HYPOGONADOTROPIC HYPOGONADISM 5 WITH ANOSMIA; CHD7-Related GnRH Deficiency (Kallmann Syndrome 5); HYPOGONADOTROPHIC HYPOGONADISM 5 WITHOUT ANOSMIA. Identifiers: Orphanet 478, MedGen C3552553, MONDO:0012880, OMIM 612370. Disease mechanism: loss of function.
CHARGE syndrome (CHARGE). Also called: Hittner Hirsch Kreh syndrome; CHARGE ASSOCIATION--COLOBOMA, HEART ANOMALY, CHOANAL ATRESIA, RETARDATION, GENITAL AND EAR ANOMALIES; Coloboma, heart anomaly, choanal atresia, retardation, genital and ear anomalies; CHARGE association; Hall-Hittner syndrome. Identifiers: Orphanet 138, MedGen C0265354, MONDO:0008965.
Inborn genetic diseases. Identifiers: MedGen C0950123, MeSH D030342.

Allele frequency attached by ClinVar (database versions not stated): gnomAD exomes below 0.00001 and 0.00001; ExAC 0.00001.
gnomAD v4.1: 6 of 1,603,346 alleles (0.00037%); highest among the groups gnomAD compares: Admixed American, 0.005%; no homozygotes.

Submissions (3):

Fulgent Genetics
Classification: Uncertain significance for CHD7-related CHARGE syndrome; Hypogonadotropic hypogonadism 5 with or without anosmia. Last evaluated: 2024-06-12. Review status: criteria provided, single submitter. Criteria: ACMG Guidelines, 2015. Collection method: clinical testing. Allele origin: germline.

GeneDx
Classification: Uncertain significance. Last evaluated: 2023-02-14. Review status: criteria provided, single submitter. Criteria: GeneDx Variant Classification Process June 2021. Collection method: clinical testing. Allele origin: germline. Affected: yes.
Comment: In silico analysis supports that this missense variant does not alter protein structure/function; Has not been previously published as pathogenic or benign to our knowledge

Ambry Genetics
Classification: Uncertain significance for Inborn genetic diseases. Last evaluated: 2018-07-13. Review status: criteria provided, single submitter. Criteria: Ambry Variant Classification Scheme 2023. Collection method: clinical testing. Allele origin: germline.
Comment: The p.F2305Y variant (also known as c.6914T>A), located in coding exon 31 of the CHD7 gene, results from a T to A substitution at nucleotide position 6914. The phenylalanine at codon 2305 is replaced by tyrosine, an amino acid with highly similar properties. This amino acid position is highly conserved in available vertebrate species. In addition, this alteration is predicted to be tolerated by in silico analysis. Since supporting evidence is limited at this time, the clinical significance of this alteration remains unclear.